The following is an entry in ClinVar:

ClinVar aggregate classification (germline): Conflicting classifications of pathogenicity. Review status: criteria provided, conflicting classifications (1 of 4 stars). 2 submissions from 1 submitter: Uncertain significance (1); Likely benign (1). Last evaluated 2018-01-13.

Conditions:
Dilated cardiomyopathy 1U. Identifiers: Orphanet 154, MedGen C3160720, MONDO:0013371, OMIM 613694.
Alzheimer disease 3 (AD3). Also called: ALZHEIMER DISEASE, FAMILIAL, 3. Identifiers: Orphanet 1020, MedGen C1843013, MONDO:0011913, OMIM 607822.

Allele frequency attached by ClinVar (database versions not stated): gnomAD 0.00006 and 0.00036; TOPMed 0.00010; 1000 Genomes Project 30x 0.00141; 1000 Genomes Project 0.00160.

Submissions (2):

Illumina Laboratory Services, Illumina
Classification: Likely benign for Alzheimer disease 3. Last evaluated: 2018-01-13. Review status: criteria provided, single submitter. Criteria: ICSL Variant Classification Criteria 13 December 2019. Collection method: clinical testing. Allele origin: germline.
Comment: This variant was observed in the ICSL laboratory as part of a predisposition screen in an ostensibly healthy population. It had not been previously curated by ICSL or reported in the Human Gene Mutation Database (HGMD: prior to June 1st, 2018), and was therefore a candidate for classification through an automated scoring system. Utilizing variant allele frequency, disease prevalence and penetrance estimates, and inheritance mode, an automated score was calculated to assess if this variant is too frequent to cause the disease. Based on the score and internal cut-off values, a variant classified as likely benign is not then subjected to further curation. The score for this variant resulted in a classification of likely benign for this disease.

Illumina Laboratory Services, Illumina
Classification: Uncertain significance for Dilated cardiomyopathy 1U. Last evaluated: 2018-01-13. Review status: criteria provided, single submitter. Criteria: ICSL Variant Classification Criteria 13 December 2019. Collection method: clinical testing. Allele origin: germline.

NM_000021.4(PSEN1):c.*2543C>T

Gene: PSEN1 (presenilin 1; plus strand). Cytogenetic location: 14q24.2.
Variant type: single nucleotide variant.
Coding change: c.*2543C>T on transcript NM_000021.4 (MANE Select); 2543 bases downstream of the stop codon, C replaced by T.
Molecular consequence: 3 prime UTR variant.
Genome position (GRCh38, 1-based): chr14:73,221,832, C>T. VCF-style: chr14-73221832-C-T. GRCh37 (hg19) VCF-style: chr14-73688540-C-T.
Other names: c.*2543C>T (NM_007318.3).
Identifiers: ClinVar variation 884666 (VCV000884666.4), dbSNP rs138620990, ClinGen allele CA262621948.